The following is an entry in ClinVar:

NM_182493.3(MYLK3):c.452G>T (p.Gly151Val)

Gene: MYLK3 (myosin light chain kinase 3; minus strand). Cytogenetic location: 16q11.2.
Variant type: single nucleotide variant.
Coding change: c.452G>T on transcript NM_182493.3 (MANE Select); coding-DNA position 452, G replaced by T.
Protein change: p.Gly151Val; replaces glycine 151 with valine.
Molecular consequence: missense variant. On other transcripts: intron variant (1).
Genome position (GRCh38, 1-based): chr16:46,747,742, C>A on the plus strand (G>T on the coding strand, the complement: MYLK3 is on the minus strand). VCF-style: chr16-46747742-C-A. GRCh37 (hg19) VCF-style: chr16-46781654-C-A.
Other names: c.-113-7595G>T (NM_001308301.1); short protein forms G151V.
Identifiers: ClinVar variation 4701340 (VCV004701340.1).

ClinVar aggregate classification (germline): Uncertain significance (1 of 4 stars; one submission).

gnomAD v4.1: 3 of 1,613,966 alleles (0.00019%); highest among the groups gnomAD compares: Admixed American, 0.0017%; no homozygotes.

Submission:

Labcorp Genetics (formerly Invitae), Labcorp
Classification: Uncertain significance. Last evaluated: 2025-06-19. Review status: criteria provided, single submitter. Criteria: Invitae Variant Classification Sherloc (09022015). Collection method: clinical testing. Allele origin: germline.
Comment: This sequence change replaces glycine, which is neutral and non-polar, with valine, which is neutral and non-polar, at codon 151 of the MYLK3 protein (p.Gly151Val). This variant is not present in population databases (gnomAD no frequency). This variant has not been reported in the literature in individuals affected with MYLK3-related conditions. An algorithm developed to predict the effect of missense changes on protein structure and function (PolyPhen-2) suggests that this variant is likely to be disruptive. In summary, the available evidence is currently insufficient to determine the role of this variant in disease. Therefore, it has been classified as a Variant of Uncertain Significance.